The following is an entry in ClinVar:

ClinVar aggregate classification (germline): Uncertain significance (1 of 4 stars; one submission).

Conditions:
Surfactant metabolism dysfunction, pulmonary, 4 (SMDP4). Also called: CSF2RA DEFICIENCY; PAP DUE TO CSF2RA DEFICIENCY; PULMONARY ALVEOLAR PROTEINOSIS, CONGENITAL, 4. Identifiers: Orphanet 264675, MedGen C2677877, MONDO:0010424, OMIM 300770.

Allele frequency attached by ClinVar (database versions not stated): ESP Exome Variant Server 0.00008.
gnomAD v4.1: 42 of 1,613,824 alleles (0.0026%); highest among the groups gnomAD compares: Non-Finnish European, 0.0032%; no homozygotes.

Submission:

Labcorp Genetics (formerly Invitae), Labcorp
Classification: Uncertain significance for Surfactant metabolism dysfunction, pulmonary, 4. Last evaluated: 2021-08-31. Review status: criteria provided, single submitter. Criteria: Invitae Variant Classification Sherloc (09022015). Collection method: clinical testing. Allele origin: germline.
Comment: This sequence change replaces arginine with cysteine at codon 390 of the CSF2RA protein (p.Arg390Cys). The arginine residue is weakly conserved and there is a large physicochemical difference between arginine and cysteine. This variant is present in population databases (no rsID available, ExAC 0.01%). This variant has not been reported in the literature in individuals affected with CSF2RA-related conditions. Algorithms developed to predict the effect of missense changes on protein structure and function are either unavailable or do not agree on the potential impact of this missense change (SIFT: "Deleterious"; PolyPhen-2: "Benign"; Align-GVGD: "Class C0"). In summary, the available evidence is currently insufficient to determine the role of this variant in disease. Therefore, it has been classified as a Variant of Uncertain Significance.

NM_172245.4(CSF2RA):c.1168C>T (p.Arg390Cys)

Gene: CSF2RA (colony stimulating factor 2 receptor subunit alpha; plus strand). Cytogenetic location: Xp22.33.
Variant type: single nucleotide variant.
Coding change: c.1168C>T on transcript NM_172245.4 (MANE Select); coding-DNA position 1168, C replaced by T.
Protein change: p.Arg390Cys; replaces arginine 390 with cysteine.
Molecular consequence: missense variant. On other transcripts: 3 prime UTR variant (5), non-coding transcript variant (1), intron variant (6).
Genome position (GRCh38, 1-based): chrX:1,309,444, C>T. VCF-style: chrX-1309444-C-T. GRCh37 (hg19) VCF-style: chrX-1428337-C-T.
Other names: c.1168C>T, p.Arg390Cys (NM_001161529.2, NM_001379156.1, NM_001379158.1 and 1 more transcripts); c.1270C>T, p.Arg424Cys (NM_001161530.2, NM_001379153.1, NM_001379154.1); c.769C>T, p.Arg257Cys (NM_001161532.2); c.1138C>T, p.Arg380Cys (NM_001379160.1); c.979C>T, p.Arg327Cys (NM_001379166.1); c.*69C>T (NM_001379167.1, NM_001379168.1, NM_001379169.1 and 2 more transcripts); c.989C>T, p.Pro330Leu (NM_172246.4); c.1125+3917C>T (NM_001379163.1, NM_001379162.1, NM_001379164.1 and 2 more transcripts); and 1 more; short protein forms R257C, R327C, R390C, R380C, P330L, R424C.
Identifiers: ClinVar variation 1468473 (VCV001468473.5), dbSNP rs150603886, ClinGen allele CA10331280.